The following is an entry in ClinVar:

ClinVar aggregate classification (germline): Uncertain significance. Review status: criteria provided, multiple submitters, no conflicts (2 of 4 stars). 2 submissions from 2 submitters: Uncertain significance (2). Last evaluated 2026-05-13.

Conditions:
Inborn genetic diseases. Identifiers: MedGen C0950123, MeSH D030342.

gnomAD v4.1: 79 of 1,614,098 alleles (0.0049%); highest among the groups gnomAD compares: Middle Eastern, 0.25%; no homozygotes.

Submissions (2):

Women's Health and Genetics/Laboratory Corporation of America, LabCorp
Classification: Uncertain significance. Last evaluated: 2026-05-13. Review status: criteria provided, single submitter. Criteria: LabCorp Variant Classification Summary - May 2015. Collection method: clinical testing. Allele origin: germline.
Comment: Variant summary: USP18 c.239C>T (p.Thr80Ile) results in a non-conservative amino acid change in the encoded protein sequence. Algorithms developed to predict the effect of missense changes on protein structure and function are either unavailable or do not agree on the potential impact of this missense change. The variant allele was found at a frequency of 4.4e-05 in 251490 control chromosomes. This frequency is not significantly higher than estimated for disease-causing variants in USP18, allowing no conclusion about variant significance. To our knowledge, no occurrence of c.239C>T in individuals affected with USP18-related conditions and no experimental evidence demonstrating its impact on protein function have been reported. ClinVar contains an entry for this variant (Variation ID: 3466709). Based on the evidence outlined above, the variant was classified as uncertain significance.

Ambry Genetics
Classification: Uncertain significance for Inborn genetic diseases. Last evaluated: 2024-11-08. Review status: criteria provided, single submitter. Criteria: Ambry Variant Classification Scheme 2023. Collection method: clinical testing. Allele origin: germline.

NM_017414.4(USP18):c.239C>T (p.Thr80Ile)

Gene: USP18 (ubiquitin specific peptidase 18; plus strand). Cytogenetic location: 22q11.21.
Variant type: single nucleotide variant.
Coding change: c.239C>T on transcript NM_017414.4 (MANE Select); coding-DNA position 239, C replaced by T.
Protein change: p.Thr80Ile; replaces threonine 80 with isoleucine.
Molecular consequence: missense variant.
Genome position (GRCh38, 1-based): chr22:18,160,253, C>T. VCF-style: chr22-18160253-C-T. GRCh37 (hg19) VCF-style: chr22-18643020-C-T.
Other names: short protein forms T80I.
Identifiers: ClinVar variation 3466709 (VCV003466709.2).